The following is an entry in ClinVar:

NM_005850.5(SF3B4):c.1153_1159dup (p.Gly387fs)

Gene: SF3B4 (splicing factor 3b subunit 4; minus strand). Cytogenetic location: 1q21.2.
Variant type: Duplication.
Coding change: c.1153_1159dup on transcript NM_005850.5 (MANE Select); coding-DNA positions 1153 to 1159, 7 bases duplicated (TACACTG; older notation c.1153_1159dupTACACTG).
Protein change: p.Gly387fs; shifts the reading frame from glycine 387.
Molecular consequence: frameshift variant.
Genome position (GRCh38, 1-based): chr1:149,923,658-149,923,664, CAGTGTA duplicated on the plus strand (TACACTG on the coding strand, the reverse complement: SF3B4 is on the minus strand). VCF-style (leftmost placement, unchanged base first): chr1-149923657-C-CCAGTGTA. GRCh37 (hg19) VCF-style: chr1-149895549-C-CCAGTGTA.
Other names: short protein forms G387fs.
Identifiers: ClinVar variation 419756 (VCV000419756.3), dbSNP rs1553765608, ClinGen allele CA16616968.

ClinVar aggregate classification (germline): Pathogenic. Review status: criteria provided, multiple submitters, no conflicts (2 of 4 stars). 2 submissions from 2 submitters: Pathogenic (2). Last evaluated 2024-12-18.

Conditions:
Inborn genetic diseases. Identifiers: MedGen C0950123, MeSH D030342.

Submissions (2):

Ambry Genetics
Classification: Pathogenic for Inborn genetic diseases. Last evaluated: 2024-12-18. Review status: criteria provided, single submitter. Criteria: Ambry Variant Classification Scheme 2023. Collection method: clinical testing. Allele origin: germline.
Comment: The c.1153_1159dupTACACTG (p.G387Vfs*101) alteration, located in exon 6 (coding exon 6) of the SF3B4 gene, consists of a duplication of TACACTG at position 1153, causing a translational frameshift with a predicted alternate stop codon after 101 amino acids. Frameshift alterations are typically deleterious in nature (Richards, 2015). This frameshift impacts the last 9% of the native protein and results in the elongation of the protein by 63 amino acids. The exact functional impact of these altered amino acids is unknown at this time. This variant was not reported in population-based cohorts in the Genome Aggregation Database (gnomAD). This variant was determined to be de novo in at least one individual with features consistent with SF3B4-related Nager acrofacial dysostosis (external communication). Based on the available evidence, this alteration is classified as pathogenic.

GeneDx
Classification: Pathogenic. Last evaluated: 2015-08-17. Review status: criteria provided, single submitter. Criteria: GeneDx Variant Classification (06012015). Collection method: clinical testing. Allele origin: germline. Affected: yes.
Comment: The c.1153_1159dupTACACTG duplication in the SF3B4 gene has not been reported previously as a pathogenic variant nor as a benign polymorphism, to our knowledge. The c.1153_1159dupTACACTG duplication causes a frameshift starting with codon Glycine 387, changes this amino acid to a Valine residue, and creates a premature Stop codon at position 101 of the new reading frame, denoted p.Gly389ValfsX101. This frameshift variant replaces the typical last 38 amino acid residues in the SF3B4 protein with 100 different amino acid residues, which is expected to alter the normal structure and function of the resultant protein. The c.1153_1159dupTACACTG duplication was not observed in approximately 6,500 individuals of European and African American ancestry in the NHLBI Exome Sequencing Project, indicating it is not a common benign variant in these populations. We interpret c.1153_1159dupTACACTG as a pathogenic variant.